The following is an entry in ClinVar:

NM_017654.4(SAMD9):c.1773A>T (p.Glu591Asp)

Gene: SAMD9 (sterile alpha motif domain containing 9; minus strand). Cytogenetic location: 7q21.2.
Variant type: single nucleotide variant.
Coding change: c.1773A>T on transcript NM_017654.4 (MANE Select); coding-DNA position 1773, A replaced by T.
Protein change: p.Glu591Asp; replaces glutamic acid 591 with aspartic acid.
Molecular consequence: missense variant.
Genome position (GRCh38, 1-based): chr7:93,104,325, T>A on the plus strand (A>T on the coding strand, the complement: SAMD9 is on the minus strand). VCF-style: chr7-93104325-T-A. GRCh37 (hg19) VCF-style: chr7-92733638-T-A.
Other names: c.1773A>T, p.Glu591Asp (NM_001193307.2); short protein forms E591D.
Identifiers: ClinVar variation 3949665 (VCV003949665.1).

ClinVar aggregate classification (germline): Uncertain significance (1 of 4 stars; one submission).

Conditions:
Inborn genetic diseases. Identifiers: MedGen C0950123, MeSH D030342.

Submission:

Ambry Genetics
Classification: Uncertain significance for Inborn genetic diseases. Last evaluated: 2025-05-23. Review status: criteria provided, single submitter. Criteria: Ambry Variant Classification Scheme 2023. Collection method: clinical testing. Allele origin: germline.
Comment: The p.E591D variant (also known as c.1773A>T), located in coding exon 1 of the SAMD9 gene, results from an A to T substitution at nucleotide position 1773. The glutamic acid at codon 591 is replaced by aspartic acid, an amino acid with highly similar properties. This amino acid position is conserved. In addition, this alteration is predicted to be tolerated by in silico analysis. Based on the available evidence, the clinical significance of this variant remains unclear.